The following is an entry in ClinVar:

NM_000152.5(GAA):c.855C>T (p.Pro285=)

Gene: GAA (alpha glucosidase; plus strand). Cytogenetic location: 17q25.3.
Variant type: single nucleotide variant.
Coding change: c.855C>T on transcript NM_000152.5 (MANE Select); coding-DNA position 855, C replaced by T.
Protein change: p.Pro285=; no amino-acid change (proline 285 retained).
Molecular consequence: synonymous variant.
Genome position (GRCh38, 1-based): chr17:80,107,719, C>T. VCF-style: chr17-80107719-C-T. GRCh37 (hg19) VCF-style: chr17-78081518-C-T.
Other names: c.855C>T, p.Pro285= (NM_001079803.3, NM_001079804.3, NM_001406741.1 and 1 more transcripts).
Identifiers: ClinVar variation 4875289 (VCV004875289.2).

ClinVar aggregate classification (germline): Likely benign (1 of 4 stars; one submission).

gnomAD v4.1: 1 of 1,593,880 alleles (0.000063%); highest among the groups gnomAD compares: Non-Finnish European, 0.000085%; no homozygotes.

Submission:

CeGaT Center for Human Genetics Tuebingen
Classification: Likely benign. Last evaluated: 2026-06-01. Review status: criteria provided, single submitter. Criteria: CeGaT Center For Human Genetics Tuebingen Variant Classification Criteria Version 2. Collection method: clinical testing. Allele origin: germline. Affected: yes. Observed: 1 variant allele.
Comment: GAA: BP4, BP7